The following is an entry in ClinVar:

NM_001329943.3(KIAA0586):c.3780G>A (p.Lys1260=)

Gene: KIAA0586 (KIAA0586; plus strand). Cytogenetic location: 14q23.1.
Variant type: single nucleotide variant.
Coding change: c.3780G>A on transcript NM_001329943.3 (MANE Select); coding-DNA position 3780, G replaced by A.
Protein change: p.Lys1260=; no amino-acid change (lysine 1260 retained).
Molecular consequence: synonymous variant.
Genome position (GRCh38, 1-based): chr14:58,488,873, G>A. VCF-style: chr14-58488873-G-A. GRCh37 (hg19) VCF-style: chr14-58955591-G-A.
Other names: c.3939G>A, p.Lys1313= (NM_001244189.2); c.3735G>A, p.Lys1245= (NM_001244190.2); c.3525G>A, p.Lys1175= (NM_001244191.2, NM_001329945.2, NM_001364700.1 and 1 more transcripts); c.3648G>A, p.Lys1216= (NM_001244192.2); c.3360G>A, p.Lys1120= (NM_001244193.2); c.3780G>A, p.Lys1260= (NM_001329944.2, NM_001329946.2, NM_001329947.2); c.3552G>A, p.Lys1184= (NM_014749.5).
Identifiers: ClinVar variation 1933594 (VCV001933594.5), dbSNP rs2543696479, ClinGen allele CA486665264.

ClinVar aggregate classification (germline): Uncertain significance (1 of 4 stars; one submission).

Conditions:
Short-rib thoracic dysplasia 14 with polydactyly (SRTD14). Identifiers: Orphanet 397715, MedGen C4225286, MONDO:0014688, OMIM 616546.
Joubert syndrome 23 (JBTS23). Identifiers: Orphanet 475, MedGen C4084822, MONDO:0014664, OMIM 616490.

Submission:

Labcorp Genetics (formerly Invitae), Labcorp
Classification: Uncertain significance for Joubert syndrome 23; Short-rib thoracic dysplasia 14 with polydactyly. Last evaluated: 2024-10-15. Review status: criteria provided, single submitter. Criteria: Invitae Variant Classification Sherloc (09022015). Collection method: clinical testing. Allele origin: germline.
Comment: This sequence change affects codon 1313 of the KIAA0586 mRNA. It is a 'silent' change, meaning that it does not change the encoded amino acid sequence of the KIAA0586 protein. It affects a nucleotide within the consensus splice site. This variant is not present in population databases (gnomAD no frequency). This variant has not been reported in the literature in individuals affected with KIAA0586-related conditions. ClinVar contains an entry for this variant (Variation ID: 1933594). Algorithms developed to predict the effect of sequence changes on RNA splicing suggest that this variant is not likely to affect RNA splicing. In summary, the available evidence is currently insufficient to determine the role of this variant in disease. Therefore, it has been classified as a Variant of Uncertain Significance.